The following is an entry in ClinVar:

ClinVar aggregate classification (germline): Likely benign (0 of 4 stars; one submission).

Conditions:
PLAGL1-related disorder. Also called: PLAGL1-related condition.

Allele frequency attached by ClinVar (database versions not stated): gnomAD exomes 0.00002; ExAC 0.00006; ESP Exome Variant Server 0.00015.
gnomAD v4.1: 24 of 1,501,534 alleles (0.0016%); highest among the groups gnomAD compares: Non-Finnish European, 0.002%; no homozygotes.

Submission:

PreventionGenetics, part of Exact Sciences
Classification: Likely benign for PLAGL1-related condition. Last evaluated: 2019-04-04. Review status: no assertion criteria provided. Collection method: clinical testing. Allele origin: germline.
Comment: This variant is classified as likely benign based on ACMG/AMP sequence variant interpretation guidelines (Richards et al. 2015 PMID: 25741868, with internal and published modifications).

NM_001317162.2(PLAGL1):c.1365G>A (p.Leu455=)

Gene: PLAGL1 (PLAG1 like zinc finger 1; minus strand). Cytogenetic location: 6q24.2.
Variant type: single nucleotide variant.
Coding change: c.1365G>A on transcript NM_001317162.2 (MANE Select); coding-DNA position 1365, G replaced by A.
Protein change: p.Leu455=; no amino-acid change (leucine 455 retained).
Molecular consequence: synonymous variant.
Genome position (GRCh38, 1-based): chr6:143,941,451, C>T on the plus strand (G>A on the coding strand, the complement: PLAGL1 is on the minus strand). VCF-style: chr6-143941451-C-T. GRCh37 (hg19) VCF-style: chr6-144262588-C-T.
Other names: c.1365G>A, p.Leu455= (NM_001080951.3, NM_001080952.3, NM_001080953.3 and 14 more transcripts); c.1209G>A, p.Leu403= (NM_001080955.3, NM_001080956.3, NM_001289037.2 and 6 more transcripts).
Identifiers: ClinVar variation 3058057 (VCV003058057.2), dbSNP rs370394316, ClinGen allele CA4031271.